The following is an entry in ClinVar:

ClinVar aggregate classification (germline): Benign (0 of 4 stars; one submission).

Conditions:
THADA-related disorder. Also called: THADA-related condition.

Allele frequency attached by ClinVar (database versions not stated): gnomAD 0.02870; ESP Exome Variant Server 0.03086; 1000 Genomes Project 0.03095; TOPMed 0.03103; 1000 Genomes Project 30x 0.03607.
gnomAD v4.1: 9,018 of 1,613,976 alleles (0.56%); highest among the groups gnomAD compares: African/African-American, 10%; 404 homozygotes.

Submission:

PreventionGenetics, part of Exact Sciences
Classification: Benign for THADA-related condition. Last evaluated: 2019-03-22. Review status: no assertion criteria provided. Collection method: clinical testing. Allele origin: germline.
Comment: This variant is classified as benign based on ACMG/AMP sequence variant interpretation guidelines (Richards et al. 2015 PMID: 25741868, with internal and published modifications).

NM_022065.5(THADA):c.1293C>T (p.Phe431=)

Gene: THADA (THADA armadillo repeat containing; minus strand). Cytogenetic location: 2p21.
Variant type: single nucleotide variant.
Coding change: c.1293C>T on transcript NM_022065.5 (MANE Select); coding-DNA position 1293, C replaced by T.
Protein change: p.Phe431=; no amino-acid change (phenylalanine 431 retained).
Molecular consequence: synonymous variant. On other transcripts: non-coding transcript variant (2).
Genome position (GRCh38, 1-based): chr2:43,574,772, G>A on the plus strand (C>T on the coding strand, the complement: THADA is on the minus strand). VCF-style: chr2-43574772-G-A. GRCh37 (hg19) VCF-style: chr2-43801911-G-A.
Other names: c.1293C>T, p.Phe431= (NM_001083953.2, NM_001271643.2, NM_001271644.2 and 2 more transcripts); c.1173C>T, p.Phe391= (NM_001345924.2); c.423C>T, p.Phe141= (NM_198554.1).
Identifiers: ClinVar variation 3056673 (VCV003056673.2), dbSNP rs17031074, ClinGen allele CA1633346.
Genomic context (GRCh38, chr2:43,574,772, plus strand): 5'-AATATGCCATTCCAATCGTAAAAGACTCTCAGTCAATTCCACAAAGAAAGGATCAGGGAC[G>A]AAATCTGCACCTTCCACAGTGAGCCGGTGCATTTGGAGAAGGTTTTTGAACATGATTTTG-3'
Protein context (NP_071348.3, residues 421-441): MHRLTVEGAD[Phe431=]VPDPFFVELT